The following is an entry in ClinVar:

ClinVar aggregate classification (germline): Likely benign. Review status: criteria provided, multiple submitters, no conflicts (2 of 4 stars). 3 submissions from 3 submitters: Likely benign (3). Last evaluated 2026-01-08.

Conditions:
Mitochondrial complex IV deficiency, nuclear type 4. Also called: Mitochondrial complex 4 deficiency, nuclear type 4. Identifiers: MedGen C5436683, MONDO:0033636, OMIM 619048.

Allele frequency attached by ClinVar (database versions not stated): gnomAD exomes 0.00006 and 0.00013; ESP Exome Variant Server 0.00008; ExAC 0.00010; gnomAD 0.00014 and 0.00015; TOPMed 0.00016.
gnomAD v4.1: 116 of 1,613,756 alleles (0.0072%); highest among the groups gnomAD compares: Admixed American, 0.052%; no homozygotes.

Submissions (3):

Labcorp Genetics (formerly Invitae), Labcorp
Classification: Likely benign. Last evaluated: 2026-01-08. Review status: criteria provided, single submitter. Criteria: Invitae Variant Classification Sherloc (09022015). Collection method: clinical testing. Allele origin: germline.

Fulgent Genetics
Classification: Likely benign for Mitochondrial complex IV deficiency, nuclear type 4. Last evaluated: 2021-08-12. Review status: criteria provided, single submitter. Criteria: ACMG Guidelines, 2015. Collection method: clinical testing. Allele origin: unknown.

GeneDx
Classification: Likely benign. Last evaluated: 2016-11-08. Review status: criteria provided, single submitter. Criteria: GeneDx Variant Classification (06012015). Collection method: clinical testing. Allele origin: germline. Affected: yes.
Comment: This variant is considered likely benign or benign based on one or more of the following criteria: it is a conservative change, it occurs at a poorly conserved position in the protein, it is predicted to be benign by multiple in silico algorithms, and/or has population frequency not consistent with disease.

NM_004589.4(SCO1):c.702C>T (p.Val234=)

Gene: SCO1 (synthesis of cytochrome C oxidase 1; minus strand). Cytogenetic location: 17p13.1.
Variant type: single nucleotide variant.
Coding change: c.702C>T on transcript NM_004589.4 (MANE Select); coding-DNA position 702, C replaced by T.
Protein change: p.Val234=; no amino-acid change (valine 234 retained).
Molecular consequence: synonymous variant.
Genome position (GRCh38, 1-based): chr17:10,686,796, G>A on the plus strand (C>T on the coding strand, the complement: SCO1 is on the minus strand). VCF-style: chr17-10686796-G-A. GRCh37 (hg19) VCF-style: chr17-10590113-G-A.
Identifiers: ClinVar variation 390411 (VCV000390411.9), dbSNP rs199687831, ClinGen allele CA8393501.